The following is an entry in ClinVar:

ClinVar aggregate classification (germline): Uncertain significance (1 of 4 stars; one submission).

Conditions:
Primary ciliary dyskinesia. Also called: Ciliary dyskinesia. Identifiers: Orphanet 244, MedGen C0008780, MONDO:0016575, HP:0012265.

Allele frequency attached by ClinVar (database versions not stated): gnomAD exomes below 0.00001; TOPMed 0.00003; gnomAD 0.00004 and 0.00005; ESP Exome Variant Server 0.00008.
gnomAD v4.1: 11 of 1,614,044 alleles (0.00068%); highest among the groups gnomAD compares: African/African-American, 0.015%; no homozygotes.

Submission:

Labcorp Genetics (formerly Invitae), Labcorp
Classification: Uncertain significance for Primary ciliary dyskinesia. Last evaluated: 2021-08-04. Review status: criteria provided, single submitter. Criteria: Invitae Variant Classification Sherloc (09022015). Collection method: clinical testing. Allele origin: germline.
Comment: This sequence change replaces histidine with glutamine at codon 206 of the DNAAF1 protein (p.His206Gln). The histidine residue is weakly conserved and there is a small physicochemical difference between histidine and glutamine. This variant is not present in population databases (ExAC no frequency). This variant has not been reported in the literature in individuals affected with DNAAF1-related conditions. Algorithms developed to predict the effect of missense changes on protein structure and function (SIFT, PolyPhen-2, Align-GVGD) all suggest that this variant is likely to be tolerated. In summary, the available evidence is currently insufficient to determine the role of this variant in disease. Therefore, it has been classified as a Variant of Uncertain Significance.

NM_178452.6(DNAAF1):c.618C>G (p.His206Gln)

Gene: DNAAF1 (dynein axonemal assembly factor 1; plus strand). Cytogenetic location: 16q24.1.
Variant type: single nucleotide variant.
Coding change: c.618C>G on transcript NM_178452.6 (MANE Select); coding-DNA position 618, C replaced by G.
Protein change: p.His206Gln; replaces histidine 206 with glutamine.
Molecular consequence: missense variant.
Genome position (GRCh38, 1-based): chr16:84,155,626, C>G. VCF-style: chr16-84155626-C-G. GRCh37 (hg19) VCF-style: chr16-84189231-C-G.
Other names: short protein forms H206Q.
Identifiers: ClinVar variation 578087 (VCV000578087.8), dbSNP rs372777928, ClinGen allele CA285505562.
Genomic context (GRCh38, chr16:84,155,626, plus strand): 5'-CTGACCTTACCTTCCAGCCTGCCTCCCAGTCCTGAACACATTGCAGATGGCCCACAATCA[C>G]CTGGAGACCGTGGAGGACATTCAGCATCTACAAGAGTGTTTGAGGCTTTGTGTCCTTGAC-3'
Protein context (NP_848547.4, residues 196-216): VLNTLQMAHN[His206Gln]LETVEDIQHL